The following is an entry in ClinVar:

ClinVar aggregate classification (germline): Uncertain significance (1 of 4 stars; one submission).

Conditions:
Gorlin syndrome. Also called: Nevoid Basal Cell Carcinoma Syndrome; Basal cell nevus syndrome. Identifiers: Orphanet 377, MedGen C0004779, MONDO:0007187.

Submission:

Labcorp Genetics (formerly Invitae), Labcorp
Classification: Uncertain significance for Gorlin syndrome. Last evaluated: 2023-04-03. Review status: criteria provided, single submitter. Criteria: Invitae Variant Classification Sherloc (09022015). Collection method: clinical testing. Allele origin: germline.
Comment: Advanced modeling of protein sequence and biophysical properties (such as structural, functional, and spatial information, amino acid conservation, physicochemical variation, residue mobility, and thermodynamic stability) performed at Invitae indicates that this missense variant is not expected to disrupt PTCH1 protein function. In summary, the available evidence is currently insufficient to determine the role of this variant in disease. Therefore, it has been classified as a Variant of Uncertain Significance. This sequence change replaces cysteine, which is neutral and slightly polar, with serine, which is neutral and polar, at codon 1398 of the PTCH1 protein (p.Cys1398Ser). This variant is not present in population databases (gnomAD no frequency). This variant has not been reported in the literature in individuals affected with PTCH1-related conditions.

NM_000264.5(PTCH1):c.4193G>C (p.Cys1398Ser)

Gene: PTCH1 (patched 1; minus strand). Cytogenetic location: 9q22.32.
Variant type: single nucleotide variant.
Coding change: c.4193G>C on transcript NM_000264.5 (MANE Select); coding-DNA position 4193, G replaced by C.
Protein change: p.Cys1398Ser; replaces cysteine 1398 with serine.
Molecular consequence: missense variant. On other transcripts: non-coding transcript variant (1).
Genome position (GRCh38, 1-based): chr9:95,447,063, C>G on the plus strand (G>C on the coding strand, the complement: PTCH1 is on the minus strand). VCF-style: chr9-95447063-C-G. GRCh37 (hg19) VCF-style: chr9-98209345-C-G.
Other names: c.3995G>C, p.Cys1332Ser (NM_001083602.3); c.4190G>C, p.Cys1397Ser (NM_001083603.3); c.3740G>C, p.Cys1247Ser (NM_001083604.3, NM_001083605.3, NM_001083606.3 and 1 more transcripts); c.4037G>C, p.Cys1346Ser (NM_001354918.2); short protein forms C1247S, C1346S, C1397S, C1398S, C1332S.
Identifiers: ClinVar variation 2851896 (VCV002851896.3), dbSNP rs1564004796, ClinGen allele CA374110148.